The following is an entry in ClinVar:

NM_000179.3(MSH6):c.3040A>G (p.Lys1014Glu)

Gene: MSH6 (mutS homolog 6; plus strand). Cytogenetic location: 2p16.3.
Variant type: single nucleotide variant.
Coding change: c.3040A>G on transcript NM_000179.3 (MANE Select); coding-DNA position 3040, A replaced by G.
Protein change: p.Lys1014Glu; replaces lysine 1014 with glutamic acid.
Molecular consequence: missense variant. On other transcripts: non-coding transcript variant (5), intron variant (2).
Genome position (GRCh38, 1-based): chr2:47,801,023, A>G. VCF-style: chr2-47801023-A-G. GRCh37 (hg19) VCF-style: chr2-48028162-A-G.
Other names: c.2650A>G, p.Lys884Glu (NM_001281492.2); c.2134A>G, p.Lys712Glu (NM_001281493.2, NM_001281494.2, NM_001406811.1 and 6 more transcripts); c.3136A>G, p.Lys1046Glu (NM_001406795.1, NM_001406802.1); c.3040A>G, p.Lys1014Glu (NM_001406796.1, NM_001406798.1, NM_001406800.1 and 2 more transcripts); c.2743A>G, p.Lys915Glu (NM_001406797.1, NM_001406801.1, NM_001406805.1 and 10 more transcripts); c.2515A>G, p.Lys839Glu (NM_001406799.1, NM_001406806.1, NM_001406807.1); c.2962A>G, p.Lys988Glu (NM_001406804.1); c.3046A>G, p.Lys1016Glu (NM_001406813.1); and 4 more; short protein forms K1014E, K1016E, K1046E, K329E, K712E, K839E, K884E, K915E.
Identifiers: ClinVar variation 3893770 (VCV003893770.1).

ClinVar aggregate classification (germline): Uncertain significance (1 of 4 stars; one submission).

Conditions:
Hereditary cancer-predisposing syndrome. Also called: Neoplastic Syndromes, Hereditary; Tumor predisposition; Hereditary Cancer Syndrome; Hereditary neoplastic syndrome. Identifiers: Orphanet 140162, MedGen C0027672, MeSH D009386, MONDO:0015356.

Submission:

Color Diagnostics, LLC DBA Color Health
Classification: Uncertain significance for Hereditary cancer-predisposing syndrome. Last evaluated: 2024-04-07. Review status: criteria provided, single submitter. Criteria: ACMG Guidelines, 2015. Collection method: clinical testing. Allele origin: germline.
Comment: This missense variant replaces lysine with glutamic acid at codon 1014 of the MSH6 protein. Computational prediction suggests that this variant may not impact protein structure and function (internally defined REVEL score threshold <= 0.5, PMID: 27666373). To our knowledge, functional studies have not been reported for this variant. This variant has not been reported in individuals affected with MSH6-related disorders in the literature. This variant has not been identified in the general population by the Genome Aggregation Database (gnomAD). The available evidence is insufficient to determine the role of this variant in disease conclusively. Therefore, this variant is classified as a Variant of Uncertain Significance.